The following is an entry in ClinVar:

NM_022489.4(INF2):c.3356A>C (p.Asn1119Thr)

Gene: INF2 (inverted formin 2; plus strand). Cytogenetic location: 14q32.33.
Variant type: single nucleotide variant.
Coding change: c.3356A>C on transcript NM_022489.4 (MANE Select); coding-DNA position 3356, A replaced by C.
Protein change: p.Asn1119Thr; replaces asparagine 1119 with threonine.
Molecular consequence: missense variant.
Genome position (GRCh38, 1-based): chr14:104,714,518, A>C. VCF-style: chr14-104714518-A-C. GRCh37 (hg19) VCF-style: chr14-105180855-A-C.
Other names: p.Asn1119Thr; c.3356A>C, p.Asn1119Thr (NM_001031714.4); short protein forms N1119T.
Identifiers: ClinVar variation 450497 (VCV000450497.14), dbSNP rs200246759, ClinGen allele CA7373231.
Genomic context (GRCh38, chr14:104,714,518, plus strand): 5'-GGGCCTGGCCGGTGACTCTGGGAGATGCTCAGGCCCTGAAGCCCCTCAAGTTCTCCAGCA[A>C]CCAGCCCCCTGCAGCCGGAAGTTCAAGGCAAGATGCCAAGGATCCCACGTCCTTGCTGGG-3'
Protein context (NP_071934.3, residues 1109-1129): QALKPLKFSS[Asn1119Thr]QPPAAGSSRQ

ClinVar aggregate classification (germline): Conflicting classifications of pathogenicity. Review status: criteria provided, conflicting classifications (1 of 4 stars). 6 submissions from 6 submitters: Uncertain significance (5); Likely benign (1). Last evaluated 2025-07-18.

Conditions:
Inborn genetic diseases. Identifiers: MedGen C0950123, MeSH D030342.
Focal segmental glomerulosclerosis 5 (FSGS5). Identifiers: Orphanet 656, MedGen C2750475, MONDO:0013191, OMIM 613237.
Charcot-Marie-Tooth disease dominant intermediate E. Also called: CHARCOT-MARIE-TOOTH NEUROPATHY WITH FOCAL SEGMENTAL GLOMERULONEPHRITIS. Identifiers: Orphanet 93114, MedGen C4302667, MONDO:0013758, OMIM 614455.

Allele frequency attached by ClinVar (database versions not stated): gnomAD exomes below 0.00001; ExAC 0.00001; gnomAD 0.00001 and 0.00002; TOPMed 0.00005; 1000 Genomes Project 30x 0.00016; 1000 Genomes Project 0.00020.

Submissions (6):

Genetics Department, Catlab
Classification: Uncertain significance for Charcot-Marie-Tooth disease dominant intermediate E. Last evaluated: 2025-07-18. Review status: criteria provided, single submitter. Criteria: ACMG Guidelines, 2015. Collection method: clinical testing. Allele origin: germline. Affected: yes. Observed: 1 variant allele.
Comment: The c.3356A>C variant is an extremely rare missense variant according to gnomAD v4.1 (AF= 0.000003720) (PM2_moderate) and has not been previously described in patients. REVEL prediction tool grants a score of 0.128 (BP4_moderate). With all the available evidence, the variant is classified as of uncertain significance.

Mayo Clinic Laboratories, Mayo Clinic
Classification: Uncertain significance. Last evaluated: 2025-06-24. Review status: criteria provided, single submitter. Criteria: ACMG Guidelines, 2015. Collection method: clinical testing. Allele origin: germline. Observed: 1 variant allele.
Comment: BP4_moderate, PM2_supporting

Labcorp Genetics (formerly Invitae), Labcorp
Classification: Likely benign for Charcot-Marie-Tooth disease dominant intermediate E; Focal segmental glomerulosclerosis 5. Last evaluated: 2025-03-14. Review status: criteria provided, single submitter. Criteria: Invitae Variant Classification Sherloc (09022015). Collection method: clinical testing. Allele origin: germline.

Ambry Genetics
Classification: Uncertain significance for Inborn genetic diseases. Last evaluated: 2024-09-04. Review status: criteria provided, single submitter. Criteria: Ambry Variant Classification Scheme 2023. Collection method: clinical testing. Allele origin: germline.

Fulgent Genetics
Classification: Uncertain significance for Focal segmental glomerulosclerosis 5; Charcot-Marie-Tooth disease dominant intermediate E. Last evaluated: 2024-06-08. Review status: criteria provided, single submitter. Criteria: ACMG Guidelines, 2015. Collection method: clinical testing. Allele origin: germline.

GeneDx
Classification: Uncertain significance. Last evaluated: 2017-07-12. Review status: criteria provided, single submitter. Criteria: GeneDx Variant Classification (06012015). Collection method: clinical testing. Allele origin: germline. Affected: yes.
Comment: A variant of uncertain significance has been identified in the INF2 gene. The N1119T variant has not been published as a pathogenic variant, nor has it been reported as a benign variant to our knowledge. The N1119T variant is observed in 1/11492 (0.01%) alleles from individuals of Latino background (Lek et al., 2016; 1000 Genomes Consortium et al., 2015; Exome Variant Server). The N1119T variant is a conservative amino acid substitution, which is not likely to impact secondary protein structure as these residues share similar properties. This substitution occurs at a position that is not conserved. However, in silico analysis is inconsistent in its predictions as to whether or not the variant is damaging to the protein structure/function. Therefore, based on the currently available information, it is unclear whether this variant is a pathogenic variant or a rare benign variant.